The following is an entry in ClinVar:

NM_001356.5(DDX3X):c.680-17T>A

Gene: DDX3X (DEAD-box helicase 3 X-linked; plus strand). Cytogenetic location: Xp11.4.
Variant type: single nucleotide variant.
Coding change: c.680-17T>A on transcript NM_001356.5 (MANE Select); 17 bases into the intron before coding-DNA position 680, T replaced by A.
Molecular consequence: intron variant.
Genome position (GRCh38, 1-based): chrX:41,343,720, T>A. VCF-style: chrX-41343720-T-A. GRCh37 (hg19) VCF-style: chrX-41202973-T-A.
Other names: c.680-17T>A (NM_001193416.3); c.632-17T>A (NM_001193417.3); c.122-17T>A (NM_001363819.1).
Identifiers: ClinVar variation 4729028 (VCV004729028.1).

ClinVar aggregate classification (germline): Uncertain significance (1 of 4 stars; one submission).

Submission:

Labcorp Genetics (formerly Invitae), Labcorp
Classification: Uncertain significance. Last evaluated: 2025-10-13. Review status: criteria provided, single submitter. Criteria: Invitae Variant Classification Sherloc (09022015). Collection method: clinical testing. Allele origin: germline.
Comment: This sequence change falls in intron 7 of the DDX3X gene. It does not directly change the encoded amino acid sequence of the DDX3X protein. This variant is not present in population databases (gnomAD no frequency). This variant has not been reported in the literature in individuals affected with DDX3X-related conditions. Algorithms developed to predict the effect of sequence changes on RNA splicing suggest that this variant may disrupt the consensus splice site. In summary, the available evidence is currently insufficient to determine the role of this variant in disease. Therefore, it has been classified as a Variant of Uncertain Significance.